The following is an entry in ClinVar:

NM_001267550.2(TTN):c.73175_73178dup (p.Glu24394fs)

Genes: TTN-AS1 (TTN antisense RNA 1; plus strand), TTN (titin; minus strand). Cytogenetic location: 2q31.2.
Variant type: Duplication.
Coding change: c.73175_73178dup on transcript NM_001267550.2 (MANE Select); coding-DNA positions 73175 to 73178, 4 bases duplicated (ATCA; older notation c.73175_73178dupATCA).
Protein change: p.Glu24394fs; shifts the reading frame from glutamic acid 24394.
Molecular consequence: frameshift variant.
Genome position (GRCh38, 1-based): chr2:178,572,954-178,572,957, TGAT duplicated on the plus strand (ATCA on the coding strand, the reverse complement: TTN is on the minus strand); duplicating any 4 consecutive bases within chr2:178,572,954-178,572,958 gives the same sequence; the c. name uses the placement nearest the transcript's 3' end. VCF-style (leftmost placement, unchanged base first): chr2-178572953-C-CTGAT. GRCh37 (hg19) VCF-style: chr2-179437680-C-CTGAT.
Other names: c.68252_68255dup, p.Glu22753fs (NM_001256850.1); c.45980_45983dup, p.Glu15329fs (NM_003319.4); c.65471_65474dup, p.Glu21826fs (NM_133378.4); c.46355_46358dup, p.Glu15454fs (NM_133432.3); c.46556_46559dup, p.Glu15521fs (NM_133437.4); short protein forms E21826fs, E15329fs, E15454fs, E24394fs, E15521fs, E22753fs.
Identifiers: ClinVar variation 1503139 (VCV001503139.8), dbSNP rs2154170480, ClinGen allele CA2573134164.
Genomic context (GRCh38, chr2:178,572,953, plus strand): 5'-AACAAGGGCAGGTTCCCCAAGTCCTTCGGAATTCATGGCATAGATGCGGATCTTATATTC[C>CTGAT]TGATTCTCTGTGAGGCCAGTGATAGTATACGAAGTTGCCTTGAGTCCTGCTGGTGGAGTG-3'

ClinVar aggregate classification (germline): Likely pathogenic (1 of 4 stars; one submission).

Conditions:
Dilated cardiomyopathy 1G (CMD1G). Identifiers: Orphanet 154, MedGen C1858763, MONDO:0011400, OMIM 604145.
Autosomal recessive limb-girdle muscular dystrophy type 2J (LGMDR10). Also called: MUSCULAR DYSTROPHY, LIMB-GIRDLE, AUTOSOMAL RECESSIVE 10; Limb-girdle muscular dystrophy, type 2J. Identifiers: Orphanet 140922, MedGen C1837342, MONDO:0012127, OMIM 608807.

Submission:

Labcorp Genetics (formerly Invitae), Labcorp
Classification: Likely pathogenic for Dilated cardiomyopathy 1G; Autosomal recessive limb-girdle muscular dystrophy type 2J. Last evaluated: 2022-07-05. Review status: criteria provided, single submitter. Criteria: Invitae Variant Classification Sherloc (09022015). Collection method: clinical testing. Allele origin: germline.
Comment: In summary, the currently available evidence indicates that the variant is pathogenic, but additional data are needed to prove that conclusively. Therefore, this variant has been classified as Likely Pathogenic. This variant is located in the A band of TTN (PMID: 25589632). Truncating variants in this region are significantly overrepresented in patients affected with dilated cardiomyopathy (PMID: 25589632). Truncating variants in this region have also been reported in individuals affected with autosomal recessive centronuclear myopathy (PMID: 23975875). ClinVar contains an entry for this variant (Variation ID: 1503139). This variant has not been reported in the literature in individuals affected with TTN-related conditions. This variant is not present in population databases (gnomAD no frequency). This sequence change creates a premature translational stop signal (p.Glu24394Serfs*4) in the TTN gene. While this is not anticipated to result in nonsense mediated decay, it is expected to create a truncated TTN protein.

Literature cited by the submitters: PubMed 25589632; PubMed 23975875.